The following is an entry in ClinVar:

ClinVar aggregate classification (germline): Uncertain significance (1 of 4 stars; one submission).

Conditions:
Charcot-Marie-Tooth disease axonal type 2O. Also called: CHARCOT-MARIE-TOOTH NEUROPATHY, AXONAL, TYPE 2O; CHARCOT-MARIE-TOOTH DISEASE, AXONAL, AUTOSOMAL DOMINANT, TYPE 2O; Charcot-Marie-Tooth Neuropathy Type 2O; Charcot-Marie-Tooth disease, axonal, type 20. Identifiers: Orphanet 284232, MedGen C3280220, MONDO:0013644, OMIM 614228.

Submission:

Labcorp Genetics (formerly Invitae), Labcorp
Classification: Uncertain significance for Charcot-Marie-Tooth disease axonal type 2O. Last evaluated: 2023-11-20. Review status: criteria provided, single submitter. Criteria: Invitae Variant Classification Sherloc (09022015). Collection method: clinical testing. Allele origin: germline.
Comment: This sequence change affects a donor splice site in intron 60 of the DYNC1H1 gene. It is expected to disrupt RNA splicing. Variants that disrupt the donor or acceptor splice site typically lead to a loss of protein function (PMID: 16199547), however the current clinical and genetic evidence is not sufficient to establish whether loss-of-function variants in DYNC1H1 cause disease. This variant is not present in population databases (gnomAD no frequency). This variant has not been reported in the literature in individuals affected with DYNC1H1-related conditions. Algorithms developed to predict the effect of sequence changes on RNA splicing suggest that this variant may disrupt the consensus splice site. In summary, the available evidence is currently insufficient to determine the role of this variant in disease. Therefore, it has been classified as a Variant of Uncertain Significance.

Literature cited by the submitters: PubMed 16199547.

NM_001376.5(DYNC1H1):c.11460+1G>T

Gene: DYNC1H1 (dynein cytoplasmic 1 heavy chain 1; plus strand). Cytogenetic location: 14q32.31.
Variant type: single nucleotide variant.
Coding change: c.11460+1G>T on transcript NM_001376.5 (MANE Select); the canonical splice donor site of the intron after coding-DNA position 11460, G replaced by T.
Molecular consequence: splice donor variant.
Genome position (GRCh38, 1-based): chr14:102,039,255, G>T. VCF-style: chr14-102039255-G-T. GRCh37 (hg19) VCF-style: chr14-102505592-G-T.
Identifiers: ClinVar variation 2697706 (VCV002697706.3), dbSNP rs2503845063, ClinGen allele CA391034166.
Genomic context (GRCh38, chr14:102,039,255, plus strand): 5'-TACCTCCCGCTCTCCACCGCCTGCAGCAGCATCTACTTCACCATGGAGTCCCTCAAGCAG[G>T]TGGGTGCCTTGGCCATGCAGAGACTGGCGGGCCCCGCACAGTAGCTCCTTGGCCGCACAG-3'